The following is an entry in ClinVar:

NM_001127208.3(TET2):c.3157del (p.Gln1053fs)

Genes: TET2 (tet methylcytosine dioxygenase 2; plus strand), TET2-AS1 (TET2 antisense RNA 1; minus strand). Cytogenetic location: 4q24.
Variant type: Deletion.
Coding change: c.3157del on transcript NM_001127208.3 (MANE Select); coding-DNA position 3157, one base deleted (C; older notation c.3157delC).
Protein change: p.Gln1053fs; shifts the reading frame from glutamine 1053.
Molecular consequence: frameshift variant.
Genome position (GRCh38, 1-based): chr4:105,237,099, C deleted. VCF-style (leftmost placement, unchanged base first): chr4-105237098-GC-G. GRCh37 (hg19) VCF-style: chr4-106158255-GC-G.
Other names: c.3157del, p.Gln1053fs (NM_017628.4); short protein forms Q1053fs.
Identifiers: ClinVar variation 4712016 (VCV004712016.1).
Genomic context (GRCh38, chr4:105,237,098, plus strand): 5'-GAAGCAGTTTCACGCCAAGTCGTTATTTGACCATAAGGCTCTTACTCTCAAATCACAGAA[GC>G]AAGTAAAAGTTGAAATGTCAGGGCCAGTCACAGTTTTGACTAGACAAACCACTGCTGCAG-3'

ClinVar aggregate classification (germline): Pathogenic (1 of 4 stars; one submission).

Submission:

Labcorp Genetics (formerly Invitae), Labcorp
Classification: Pathogenic. Last evaluated: 2025-01-29. Review status: criteria provided, single submitter. Criteria: Invitae Variant Classification Sherloc (09022015). Collection method: clinical testing. Allele origin: germline.
Comment: This sequence change creates a premature translational stop signal (p.Gln1053Lysfs*2) in the TET2 gene. It is expected to result in an absent or disrupted protein product. Loss-of-function variants in TET2 are known to be pathogenic (PMID: 36066697). This variant is not present in population databases (gnomAD no frequency). This variant has not been reported in the literature in individuals affected with TET2-related conditions. For these reasons, this variant has been classified as Pathogenic.

Literature cited by the submitters: PubMed 36066697.